The following is an entry in ClinVar:

ClinVar aggregate classification (germline): Uncertain significance (1 of 4 stars; one submission).

Conditions:
STING-associated vasculopathy with onset in infancy. Also called: Sting-associated vasculopathy, infantile-onset. Identifiers: Orphanet 425120, MedGen C4014722, MONDO:0014405, OMIM 615934.

Allele frequency attached by ClinVar (database versions not stated): TOPMed 0.00002; ExAC 0.00002; gnomAD exomes 0.00002.

Submission:

Labcorp Genetics (formerly Invitae), Labcorp
Classification: Uncertain significance for STING-associated vasculopathy with onset in infancy. Last evaluated: 2019-08-09. Review status: criteria provided, single submitter. Criteria: Invitae Variant Classification Sherloc (09022015). Collection method: clinical testing. Allele origin: germline.
Comment: This sequence change replaces arginine with tryptophan at codon 197 of the TMEM173 protein (p.Arg197Trp). The arginine residue is highly conserved and there is a moderate physicochemical difference between arginine and tryptophan. In summary, the available evidence is currently insufficient to determine the role of this variant in disease. Therefore, it has been classified as a Variant of Uncertain Significance. Algorithms developed to predict the effect of missense changes on protein structure and function (SIFT, PolyPhen-2, Align-GVGD) all suggest that this variant is likely to be disruptive, but these predictions have not been confirmed by published functional studies and their clinical significance is uncertain. This variant has not been reported in the literature in individuals with TMEM173-related conditions. This variant is present in population databases (rs763892914, ExAC 0.004%).

NM_198282.4(STING1):c.589C>T (p.Arg197Trp)

Gene: STING1 (stimulator of interferon response cGAMP interactor 1; minus strand). Cytogenetic location: 5q31.2.
Variant type: single nucleotide variant.
Coding change: c.589C>T on transcript NM_198282.4 (MANE Select); coding-DNA position 589, C replaced by T.
Protein change: p.Arg197Trp; replaces arginine 197 with tryptophan.
Molecular consequence: missense variant.
Genome position (GRCh38, 1-based): chr5:139,478,440, G>A on the plus strand (C>T on the coding strand, the complement: STING1 is on the minus strand). VCF-style: chr5-139478440-G-A. GRCh37 (hg19) VCF-style: chr5-138858025-G-A.
Other names: c.589C>T, p.Arg197Trp (NM_001301738.2); c.232C>T, p.Arg78Trp (NM_001367258.1); short protein forms R78W, R197W.
Identifiers: ClinVar variation 955609 (VCV000955609.10), dbSNP rs763892914, ClinGen allele CA3435363.
Genomic context (GRCh38, chr5:139,478,440, plus strand): 5'-GGTCAGCCATACTCAGGTTATCAGGCACCCCACAGTCCAATGGGAGGAGAATATACAGCC[G>A]CTGGCTCACTGCACCCCGTAGCAGGTTGTTGTAATGCTGATTGTAAGTTCGAATCCGGGC-3'
Protein context (NP_938023.1, residues 187-207): NNLLRGAVSQ[Arg197Trp]LYILLPLDCG